The following is an entry in ClinVar:

ClinVar aggregate classification (germline): Uncertain significance (1 of 4 stars; one submission).

Conditions:
Congenital disorder of deglycosylation (CDDG). Identifiers: MedGen C3808991, MONDO:0031376.

Allele frequency attached by ClinVar (database versions not stated): gnomAD exomes below 0.00001.
gnomAD v4.1: 2 of 1,613,326 alleles (0.00012%); highest among the groups gnomAD compares: South Asian, 0.0011%; no homozygotes.

Submission:

Labcorp Genetics (formerly Invitae), Labcorp
Classification: Uncertain significance for Congenital disorder of deglycosylation. Last evaluated: 2019-12-06. Review status: criteria provided, single submitter. Criteria: Invitae Variant Classification Sherloc (09022015). Collection method: clinical testing. Allele origin: germline.
Comment: This sequence change replaces threonine with isoleucine at codon 413 of the NGLY1 protein (p.Thr413Ile). The threonine residue is highly conserved and there is a moderate physicochemical difference between threonine and isoleucine. This variant is not present in population databases (ExAC no frequency). This variant has not been reported in the literature in individuals with NGLY1-related conditions. Algorithms developed to predict the effect of missense changes on protein structure and function (SIFT, PolyPhen-2, Align-GVGD) all suggest that this variant is likely to be tolerated, but these predictions have not been confirmed by published functional studies and their clinical significance is uncertain. In summary, the available evidence is currently insufficient to determine the role of this variant in disease. Therefore, it has been classified as a Variant of Uncertain Significance.

NM_018297.4(NGLY1):c.1238C>T (p.Thr413Ile)

Gene: NGLY1 (N-glycanase 1; minus strand). Cytogenetic location: 3p24.2.
Variant type: single nucleotide variant.
Coding change: c.1238C>T on transcript NM_018297.4 (MANE Select); coding-DNA position 1238, C replaced by T.
Protein change: p.Thr413Ile; replaces threonine 413 with isoleucine.
Molecular consequence: missense variant.
Genome position (GRCh38, 1-based): chr3:25,733,894, G>A on the plus strand (C>T on the coding strand, the complement: NGLY1 is on the minus strand). VCF-style: chr3-25733894-G-A. GRCh37 (hg19) VCF-style: chr3-25775385-G-A.
Other names: c.1184C>T, p.Thr395Ile (NM_001145293.2); c.1112C>T, p.Thr371Ile (NM_001145294.2); c.1238C>T, p.Thr413Ile (NM_001145295.2); short protein forms T395I, T371I, T413I.
Identifiers: ClinVar variation 855871 (VCV000855871.2), dbSNP rs1261124515, ClinGen allele CA351899878.